The following is an entry in ClinVar:

ClinVar aggregate classification (germline): Uncertain significance (1 of 4 stars; one submission).

Conditions:
Primary dilated cardiomyopathy (DCM). Also called: Dilated Cardiomyopathy. Identifiers: Orphanet 217604, MedGen C0007193, MeSH D002311, MONDO:0005021, HP:0001644. Inheritance: Various modes of inheritance.

Submission:

Labcorp Genetics (formerly Invitae), Labcorp
Classification: Uncertain significance for Primary dilated cardiomyopathy. Last evaluated: 2025-02-13. Review status: criteria provided, single submitter. Criteria: Invitae Variant Classification Sherloc (09022015). Collection method: clinical testing. Allele origin: germline.
Comment: This sequence change replaces aspartic acid, which is acidic and polar, with glycine, which is neutral and non-polar, at codon 138 of the NEBL protein (p.Asp138Gly). This variant is not present in population databases (gnomAD no frequency). This variant has not been reported in the literature in individuals affected with NEBL-related conditions. An algorithm developed to predict the effect of missense changes on protein structure and function (PolyPhen-2) suggests that this variant is likely to be disruptive. In summary, the available evidence is currently insufficient to determine the role of this variant in disease. Therefore, it has been classified as a Variant of Uncertain Significance.

NM_006393.3(NEBL):c.413A>G (p.Asp138Gly)

Gene: NEBL (nebulette; minus strand). Cytogenetic location: 10p12.31.
Variant type: single nucleotide variant.
Coding change: c.413A>G on transcript NM_006393.3 (MANE Select); coding-DNA position 413, A replaced by G.
Protein change: p.Asp138Gly; replaces aspartic acid 138 with glycine.
Molecular consequence: missense variant. On other transcripts: intron variant (9).
Genome position (GRCh38, 1-based): chr10:20,880,861, T>C on the plus strand (A>G on the coding strand, the complement: NEBL is on the minus strand). VCF-style: chr10-20880861-T-C. GRCh37 (hg19) VCF-style: chr10-21169790-T-C.
Other names: c.250-67921A>G (NM_001377326.1, NM_001377327.1, NM_001377328.1); c.358-67921A>G (NM_213569.2, NM_001173484.2, NM_001377322.1); c.301-67921A>G (NM_001377324.1); c.292-67921A>G (NM_001377325.1); c.310-67921A>G (NM_001377323.1); short protein forms D138G.
Identifiers: ClinVar variation 4808704 (VCV004808704.1).